The following is an entry in ClinVar:

ClinVar aggregate classification (germline): Conflicting classifications of pathogenicity. Review status: criteria provided, conflicting classifications (1 of 4 stars). 2 submissions from 2 submitters: Uncertain significance (1); Likely benign (1). Last evaluated 2026-08-11.

Conditions:
LEPR-related disorder. Also called: LEPR-related condition; LEPR-related disorders.

Allele frequency attached by ClinVar (database versions not stated): gnomAD exomes 0.00009 and 0.00002; 1000 Genomes Project 30x 0.00016; 1000 Genomes Project 0.00020; gnomAD 0.00028 and 0.00031; ESP Exome Variant Server 0.00031; TOPMed 0.00037; ExAC 0.00007.
gnomAD v4.1: 72 of 1,613,672 alleles (0.0045%); highest among the groups gnomAD compares: African/African-American, 0.076%; no homozygotes.

Submissions (2):

PreventionGenetics, part of Exact Sciences
Classification: Uncertain significance for LEPR-related condition. Last evaluated: 2026-08-11. Review status: criteria provided, single submitter. Criteria: ACMG Guidelines, 2015. Collection method: clinical testing. Allele origin: germline.
Comment: The LEPR c.1713G>T variant is predicted to result in the amino acid substitution p.Gln571His. This variant was observed in a cohort of individuals with obesity; however, in vitro functional studies did not show significant differences compared to the control (Supplemental Data Set, Shah et al. 2023. PubMed ID: 36864747). This variant has also been reported in a computational study to impact the secondary structure stability of the LEPR protein (Muruganandhan and Manian. 2019. PubMed ID: 31237021). This variant is reported in 0.10% of alleles in individuals of African descent in gnomAD, which may be too frequent to be a primary cause of disease. Although we suspect that this variant may be benign, at this time, the clinical significance of this variant is uncertain due to the absence of conclusive functional and genetic evidence.

Labcorp Genetics (formerly Invitae), Labcorp
Classification: Likely benign. Last evaluated: 2025-10-01. Review status: criteria provided, single submitter. Criteria: Invitae Variant Classification Sherloc (09022015). Collection method: clinical testing. Allele origin: germline.

NM_002303.6(LEPR):c.1713G>T (p.Gln571His)

Gene: LEPR (leptin receptor; plus strand). Cytogenetic location: 1p31.3.
Variant type: single nucleotide variant.
Coding change: c.1713G>T on transcript NM_002303.6 (MANE Select); coding-DNA position 1713, G replaced by T.
Protein change: p.Gln571His; replaces glutamine 571 with histidine.
Molecular consequence: missense variant.
Genome position (GRCh38, 1-based): chr1:65,608,862, G>T. VCF-style: chr1-65608862-G-T. GRCh37 (hg19) VCF-style: chr1-66074545-G-T.
Other names: c.1713G>T, p.Gln571His (NM_001003679.3, NM_001003680.3, NM_001198687.2 and 2 more transcripts); c.1713G>T (NM_002303.5); short protein forms Q571H.
Identifiers: ClinVar variation 1405451 (VCV001405451.11), dbSNP rs141393785, ClinGen allele CA894849.